The following is an entry in ClinVar:

NM_001184.4(ATR):c.1938A>C (p.Arg646Ser)

Gene: ATR (ATR checkpoint kinase; minus strand). Cytogenetic location: 3q23.
Variant type: single nucleotide variant.
Coding change: c.1938A>C on transcript NM_001184.4 (MANE Select); coding-DNA position 1938, A replaced by C.
Protein change: p.Arg646Ser; replaces arginine 646 with serine.
Molecular consequence: missense variant.
Genome position (GRCh38, 1-based): chr3:142,556,523, T>G on the plus strand (A>C on the coding strand, the complement: ATR is on the minus strand). VCF-style: chr3-142556523-T-G. GRCh37 (hg19) VCF-style: chr3-142275365-T-G.
Other names: c.1746A>C, p.Arg582Ser (NM_001354579.2); short protein forms R646S, R582S.
Identifiers: ClinVar variation 1782992 (VCV001782992.4), dbSNP rs746275899, ClinGen allele CA2650467.

ClinVar aggregate classification (germline): Uncertain significance. Review status: criteria provided, multiple submitters, no conflicts (2 of 4 stars). 2 submissions from 2 submitters: Uncertain significance (2). Last evaluated 2025-08-23.

Conditions:
Inborn genetic diseases. Identifiers: MedGen C0950123, MeSH D030342.

Allele frequency attached by ClinVar (database versions not stated): ExAC 0.00001.
gnomAD v4.1: 1 of 1,613,968 alleles (0.000062%); no homozygotes.

Submissions (2):

Labcorp Genetics (formerly Invitae), Labcorp
Classification: Uncertain significance. Last evaluated: 2025-08-23. Review status: criteria provided, single submitter. Criteria: Invitae Variant Classification Sherloc (09022015). Collection method: clinical testing. Allele origin: germline.
Comment: This sequence change replaces arginine, which is basic and polar, with serine, which is neutral and polar, at codon 646 of the ATR protein (p.Arg646Ser). This variant is present in population databases (rs746275899, gnomAD 0.0009%). This variant has not been reported in the literature in individuals affected with ATR-related conditions. ClinVar contains an entry for this variant (Variation ID: 1782992). An algorithm developed to predict the effect of missense changes on protein structure and function (PolyPhen-2) suggests that this variant is likely to be tolerated. In summary, the available evidence is currently insufficient to determine the role of this variant in disease. Therefore, it has been classified as a Variant of Uncertain Significance.

Ambry Genetics
Classification: Uncertain significance for Inborn genetic diseases. Last evaluated: 2024-05-08. Review status: criteria provided, single submitter. Criteria: Ambry Variant Classification Scheme 2023. Collection method: clinical testing. Allele origin: germline.
Comment: The p.R646S variant (also known as c.1938A>C), located in coding exon 9 of the ATR gene, results from an A to C substitution at nucleotide position 1938. The arginine at codon 646 is replaced by serine, an amino acid with dissimilar properties. This amino acid position is conserved. In addition, this alteration is predicted to be tolerated by in silico analysis. Since supporting evidence is limited at this time, the clinical significance of this alteration remains unclear.